The following is an entry in ClinVar:

ClinVar aggregate classification (germline): Uncertain significance (1 of 4 stars; one submission).

Submission:

GeneDx
Classification: Uncertain significance. Last evaluated: 2022-04-28. Review status: criteria provided, single submitter. Criteria: GeneDx Variant Classification Process June 2021. Collection method: clinical testing. Allele origin: germline. Affected: yes.
Comment: Not observed at significant frequency in large population cohorts (gnomAD); In silico analysis supports that this missense variant has a deleterious effect on protein structure/function; Has not been previously published as pathogenic or benign to our knowledge

NM_024757.5(EHMT1):c.3574T>C (p.Tyr1192His)

Gene: EHMT1 (euchromatic histone lysine methyltransferase 1; plus strand). Cytogenetic location: 9q34.3.
Variant type: single nucleotide variant.
Coding change: c.3574T>C on transcript NM_024757.5 (MANE Select); coding-DNA position 3574, T replaced by C.
Protein change: p.Tyr1192His; replaces tyrosine 1192 with histidine.
Molecular consequence: missense variant.
Genome position (GRCh38, 1-based): chr9:137,834,382, T>C. VCF-style: chr9-137834382-T-C. GRCh37 (hg19) VCF-style: chr9-140728834-T-C.
Other names: c.3553T>C, p.Tyr1185His (NM_001354263.2); short protein forms Y1185H, Y1192H.
Identifiers: ClinVar variation 1712896 (VCV001712896.2), dbSNP rs2538995841, ClinGen allele CA375781329.